The following is an entry in ClinVar:

ClinVar aggregate classification (germline): Uncertain significance (1 of 4 stars; one submission).

Submission:

Labcorp Genetics (formerly Invitae), Labcorp
Classification: Uncertain significance. Last evaluated: 2022-08-09. Review status: criteria provided, single submitter. Criteria: Invitae Variant Classification Sherloc (09022015). Collection method: clinical testing. Allele origin: germline.
Comment: In summary, the available evidence is currently insufficient to determine the role of this variant in disease. Therefore, it has been classified as a Variant of Uncertain Significance. Advanced modeling of protein sequence and biophysical properties (such as structural, functional, and spatial information, amino acid conservation, physicochemical variation, residue mobility, and thermodynamic stability) performed at Invitae indicates that this missense variant is expected to disrupt TYR protein function. This variant has not been reported in the literature in individuals affected with TYR-related conditions. This variant is not present in population databases (gnomAD no frequency). This sequence change replaces serine, which is neutral and polar, with isoleucine, which is neutral and non-polar, at codon 339 of the TYR protein (p.Ser339Ile).

NM_000372.5(TYR):c.1016G>T (p.Ser339Ile)

Gene: TYR (tyrosinase; plus strand). Cytogenetic location: 11q14.3.
Variant type: single nucleotide variant.
Coding change: c.1016G>T on transcript NM_000372.5 (MANE Select); coding-DNA position 1016, G replaced by T.
Protein change: p.Ser339Ile; replaces serine 339 with isoleucine.
Molecular consequence: missense variant.
Genome position (GRCh38, 1-based): chr11:89,191,398, G>T. VCF-style: chr11-89191398-G-T. GRCh37 (hg19) VCF-style: chr11-88924566-G-T.
Other names: short protein forms S339I.
Identifiers: ClinVar variation 2061020 (VCV002061020.4), dbSNP rs2496553063, ClinGen allele CA382036077.